The following is an entry in ClinVar:

ClinVar aggregate classification (germline): Uncertain significance. Review status: criteria provided, multiple submitters, no conflicts (2 of 4 stars). 3 submissions from 3 submitters: Uncertain significance (3). Last evaluated 2026-04-01.

Conditions:
Neutropenia, severe congenital, 2, autosomal dominant. Identifiers: Orphanet 486, MedGen C2751288, MONDO:0013139, OMIM 613107.

Submissions (3):

CeGaT Center for Human Genetics Tuebingen
Classification: Uncertain significance. Last evaluated: 2026-04-01. Review status: criteria provided, single submitter. Criteria: CeGaT Center For Human Genetics Tuebingen Variant Classification Criteria Version 2. Collection method: clinical testing. Allele origin: germline. Affected: yes. Observed: 2 variant alleles.

Ambry Genetics
Classification: Uncertain significance. Last evaluated: 2025-03-16. Review status: criteria provided, single submitter. Criteria: Ambry Variant Classification Scheme 2023. Collection method: clinical testing. Allele origin: germline.
Comment: The p.R147L variant (also known as c.440G>T), located in coding exon 3 of the GFI1 gene, results from a G to T substitution at nucleotide position 440. The arginine at codon 147 is replaced by leucine, an amino acid with dissimilar properties. This amino acid position is conserved. In addition, this alteration is predicted to be tolerated by in silico analysis. Based on the available evidence, the clinical significance of this variant remains unclear.

Labcorp Genetics (formerly Invitae), Labcorp
Classification: Uncertain significance for Neutropenia, severe congenital, 2, autosomal dominant. Last evaluated: 2024-01-31. Review status: criteria provided, single submitter. Criteria: Invitae Variant Classification Sherloc (09022015). Collection method: clinical testing. Allele origin: germline.
Comment: This sequence change replaces arginine, which is basic and polar, with leucine, which is neutral and non-polar, at codon 147 of the GFI1 protein (p.Arg147Leu). This variant is not present in population databases (gnomAD no frequency). This variant has not been reported in the literature in individuals affected with GFI1-related conditions. ClinVar contains an entry for this variant (Variation ID: 644864). Advanced modeling of protein sequence and biophysical properties (such as structural, functional, and spatial information, amino acid conservation, physicochemical variation, residue mobility, and thermodynamic stability) performed at Invitae indicates that this missense variant is not expected to disrupt GFI1 protein function with a negative predictive value of 80%. In summary, the available evidence is currently insufficient to determine the role of this variant in disease. Therefore, it has been classified as a Variant of Uncertain Significance.

NM_005263.5(GFI1):c.440G>T (p.Arg147Leu)

Gene: GFI1 (growth factor independent 1 transcriptional repressor; minus strand). Cytogenetic location: 1p22.1.
Variant type: single nucleotide variant.
Coding change: c.440G>T on transcript NM_005263.5 (MANE Select); coding-DNA position 440, G replaced by T.
Protein change: p.Arg147Leu; replaces arginine 147 with leucine.
Molecular consequence: missense variant.
Genome position (GRCh38, 1-based): chr1:92,480,947, C>A on the plus strand (G>T on the coding strand, the complement: GFI1 is on the minus strand). VCF-style: chr1-92480947-C-A. GRCh37 (hg19) VCF-style: chr1-92946504-C-A.
Other names: c.440G>T, p.Arg147Leu (NM_001127215.3, NM_001127216.3); short protein forms R147L.
Identifiers: ClinVar variation 644864 (VCV000644864.17), dbSNP rs1367385969, ClinGen allele CA341149830.
Genomic context (GRCh38, chr1:92,480,947, plus strand): 5'-AGCGCGGCCGGGTGGCCAGGCTCCGGGGCGGGTTCGCAGAAGAGGCCCAGGCCAGCGCCA[C>A]GCTCCAGGGCCCCACACGGTCGGTAGCTCTGCACCAGGTGCCGCAGGTCAGAACCCGCCA-3'
Protein context (NP_005254.2, residues 137-157): QSYRPCGALE[Arg147Leu]GAGLGLFCEP